The following is an entry in ClinVar:

ClinVar aggregate classification (germline): Uncertain significance (1 of 4 stars; one submission).

Conditions:
Hereditary cancer-predisposing syndrome. Also called: Neoplastic Syndromes, Hereditary; Hereditary neoplastic syndrome; Tumor predisposition; Hereditary Cancer Syndrome. Identifiers: Orphanet 140162, MedGen C0027672, MeSH D009386, MONDO:0015356.

Submission:

Ambry Genetics
Classification: Uncertain significance for Hereditary cancer-predisposing syndrome. Last evaluated: 2026-02-22. Review status: criteria provided, single submitter. Criteria: Ambry Variant Classification Scheme 2023. Collection method: clinical testing. Allele origin: germline.
Comment: The p.I209T variant (also known as c.626T>C), located in coding exon 6 of the EPCAM gene, results from a T to C substitution at nucleotide position 626. The isoleucine at codon 209 is replaced by threonine, an amino acid with similar properties. This amino acid position is conserved. In addition, this alteration is predicted to be deleterious by in silico analysis. Based on the available evidence, the clinical significance of this variant remains unclear.

NM_002354.3(EPCAM):c.626T>C (p.Ile209Thr)

Gene: EPCAM (epithelial cell adhesion molecule; plus strand). Cytogenetic location: 2p21.
Variant type: single nucleotide variant.
Coding change: c.626T>C on transcript NM_002354.3 (MANE Select); coding-DNA position 626, T replaced by C.
Protein change: p.Ile209Thr; replaces isoleucine 209 with threonine.
Molecular consequence: missense variant.
Genome position (GRCh38, 1-based): chr2:47,379,023, T>C. VCF-style: chr2-47379023-T-C. GRCh37 (hg19) VCF-style: chr2-47606162-T-C.
Other names: short protein forms I209T.
Identifiers: ClinVar variation 4824841 (VCV004824841.1).